The following is an entry in ClinVar:

NM_004318.4(ASPH):c.140G>A (p.Gly47Asp)

Gene: ASPH (aspartate beta-hydroxylase; minus strand). Cytogenetic location: 8q12.3.
Variant type: single nucleotide variant.
Coding change: c.140G>A on transcript NM_004318.4 (MANE Select); coding-DNA position 140, G replaced by A.
Protein change: p.Gly47Asp; replaces glycine 47 with aspartic acid.
Molecular consequence: missense variant.
Genome position (GRCh38, 1-based): chr8:61,684,152, C>T on the plus strand (G>A on the coding strand, the complement: ASPH is on the minus strand). VCF-style: chr8-61684152-C-T. GRCh37 (hg19) VCF-style: chr8-62596711-C-T.
Other names: c.53G>A, p.Gly18Asp (NM_001164750.2, NM_001164751.2, NM_001164752.2 and 12 more transcripts); c.140G>A, p.Gly47Asp (NM_001164754.2, NM_001164755.2, NM_001164756.2 and 58 more transcripts); short protein forms G18D, G47D.
Identifiers: ClinVar variation 2097546 (VCV002097546.4), dbSNP rs761300932, ClinGen allele CA4762535.

ClinVar aggregate classification (germline): Uncertain significance (1 of 4 stars; one submission).

Allele frequency attached by ClinVar (database versions not stated): gnomAD exomes 0.00001; TOPMed 0.00001; ExAC 0.00003.
gnomAD v4.1: 14 of 1,613,422 alleles (0.00087%); highest among the groups gnomAD compares: South Asian, 0.0088%; no homozygotes.

Submission:

Labcorp Genetics (formerly Invitae), Labcorp
Classification: Uncertain significance. Last evaluated: 2022-02-14. Review status: criteria provided, single submitter. Criteria: Invitae Variant Classification Sherloc (09022015). Collection method: clinical testing. Allele origin: germline.
Comment: In summary, the available evidence is currently insufficient to determine the role of this variant in disease. Therefore, it has been classified as a Variant of Uncertain Significance. Algorithms developed to predict the effect of missense changes on protein structure and function are either unavailable or do not agree on the potential impact of this missense change (SIFT: "Tolerated"; PolyPhen-2: "Possibly Damaging"; Align-GVGD: "Class C0"). This variant has not been reported in the literature in individuals affected with ASPH-related conditions. This variant is present in population databases (rs761300932, gnomAD 0.02%). This sequence change replaces glycine, which is neutral and non-polar, with aspartic acid, which is acidic and polar, at codon 47 of the ASPH protein (p.Gly47Asp).